The following is an entry in ClinVar:

NM_000274.4(OAT):c.1305C>T (p.Thr435=)

Gene: OAT (ornithine aminotransferase; minus strand). Cytogenetic location: 10q26.13.
Variant type: single nucleotide variant.
Coding change: c.1305C>T on transcript NM_000274.4 (MANE Select); coding-DNA position 1305, C replaced by T.
Protein change: p.Thr435=; no amino-acid change (threonine 435 retained).
Molecular consequence: synonymous variant.
Genome position (GRCh38, 1-based): chr10:124,397,957, G>A on the plus strand (C>T on the coding strand, the complement: OAT is on the minus strand). VCF-style: chr10-124397957-G-A. GRCh37 (hg19) VCF-style: chr10-126086526-G-A.
Other names: c.891C>T, p.Thr297= (NM_001171814.2); c.1305C>T, p.Thr435= (NM_001322965.2, NM_001322966.2, NM_001322967.2 and 3 more transcripts); c.984C>T, p.Thr328= (NM_001322971.2); c.705C>T, p.Thr235= (NM_001322974.2).
Identifiers: ClinVar variation 763347 (VCV000763347.16), dbSNP rs528039246, ClinGen allele CA5733273.

ClinVar aggregate classification (germline): Likely benign. Review status: criteria provided, multiple submitters, no conflicts (2 of 4 stars). 4 submissions from 4 submitters: Likely benign (2). 2 of the submissions do not count toward it. Last evaluated 2026-01-28.

Conditions:
OAT-related disorder. Also called: OAT-related condition.
Ornithine aminotransferase deficiency (GACR). Also called: OAT DEFICIENCY; OKT DEFICIENCY; HYPERORNITHINEMIA WITH GYRATE ATROPHY OF CHOROID AND RETINA; Ornithine ketoacid aminotransferase deficiency; Gyrate atrophy; Gyrate atrophy of choroid and retina. Identifiers: Orphanet 414, MedGen C0018425, MONDO:0009796, OMIM 258870.

Allele frequency attached by ClinVar (database versions not stated): gnomAD below 0.00001 and 0.00009; TOPMed 0.00001; gnomAD exomes 0.00010 and 0.00020; ExAC 0.00021; 1000 Genomes Project 30x 0.00094; 1000 Genomes Project 0.00120.
gnomAD v4.1: 160 of 1,613,732 alleles (0.0099%); highest among the groups gnomAD compares: South Asian, 0.17%; 1 homozygote.

Submissions (4):

Labcorp Genetics (formerly Invitae), Labcorp
Classification: Likely benign for Ornithine aminotransferase deficiency. Last evaluated: 2026-01-28. Review status: criteria provided, single submitter. Criteria: Invitae Variant Classification Sherloc (09022015). Collection method: clinical testing. Allele origin: germline.

Blueprint Genetics
Classification: Likely benign. Last evaluated: 2022-02-23. Review status: criteria provided, single submitter. Criteria: ACMG Guidelines, 2015. Collection method: clinical testing. Allele origin: germline.

PreventionGenetics, part of Exact Sciences
Classification: Likely benign for OAT-related condition. Last evaluated: 2024-09-18. Review status: no assertion criteria provided. Collection method: clinical testing. Allele origin: germline. Not counted in ClinVar's aggregate classification.
Comment: This variant is classified as likely benign based on ACMG/AMP sequence variant interpretation guidelines (Richards et al. 2015 PMID: 25741868, with internal and published modifications).

Natera, Inc.
Classification: Likely benign for Gyrate atrophy. Last evaluated: 2020-04-10. Review status: no assertion criteria provided. Collection method: clinical testing. Allele origin: germline. Not counted in ClinVar's aggregate classification.